The following is an entry in ClinVar:

ClinVar aggregate classification (germline): Uncertain significance (1 of 4 stars; one submission).

Conditions:
Fibrous dysplasia of jaw (CRBM). Also called: Cherubism. Identifiers: Orphanet 184, MedGen C0008029, MONDO:0007315, OMIM 118400.

Allele frequency attached by ClinVar (database versions not stated): gnomAD exomes below 0.00001; TOPMed below 0.00001.
gnomAD v4.1: 1 of 1,614,112 alleles (0.000062%); highest among the groups gnomAD compares: Admixed American, 0.0017%; no homozygotes.

Submission:

Labcorp Genetics (formerly Invitae), Labcorp
Classification: Uncertain significance for Fibrous dysplasia of jaw. Last evaluated: 2022-09-27. Review status: criteria provided, single submitter. Criteria: Invitae Variant Classification Sherloc (09022015). Collection method: clinical testing. Allele origin: germline.
Comment: This variant has not been reported in the literature in individuals affected with SH3BP2-related conditions. Advanced modeling of protein sequence and biophysical properties (such as structural, functional, and spatial information, amino acid conservation, physicochemical variation, residue mobility, and thermodynamic stability) performed at Invitae indicates that this missense variant is not expected to disrupt SH3BP2 protein function. In summary, the available evidence is currently insufficient to determine the role of this variant in disease. Therefore, it has been classified as a Variant of Uncertain Significance. This sequence change replaces methionine, which is neutral and non-polar, with leucine, which is neutral and non-polar, at codon 23 of the SH3BP2 protein (p.Met23Leu). This variant is not present in population databases (gnomAD no frequency).

NM_001122681.2(SH3BP2):c.67A>T (p.Met23Leu)

Gene: SH3BP2 (SH3 domain binding protein 2; plus strand). Cytogenetic location: 4p16.3.
Variant type: single nucleotide variant.
Coding change: c.67A>T on transcript NM_001122681.2 (MANE Select); coding-DNA position 67, A replaced by T.
Protein change: p.Met23Leu; replaces methionine 23 with leucine.
Molecular consequence: missense variant.
Genome position (GRCh38, 1-based): chr4:2,820,684, A>T. VCF-style: chr4-2820684-A-T. GRCh37 (hg19) VCF-style: chr4-2822411-A-T.
Other names: c.151A>T, p.Met51Leu (NM_001145855.2); c.238A>T, p.Met80Leu (NM_001145856.2); c.67A>T, p.Met23Leu (NM_003023.4); short protein forms M51L, M80L, M23L.
Identifiers: ClinVar variation 2173605 (VCV002173605.4), dbSNP rs1724253647, ClinGen allele CA356052934.